The following is an entry in ClinVar:

ClinVar aggregate classification (germline): Conflicting classifications of pathogenicity. Review status: criteria provided, conflicting classifications (1 of 4 stars). 2 submissions from 2 submitters: Uncertain significance (1); Likely benign (1). Last evaluated 2025-06-14.

Allele frequency attached by ClinVar (database versions not stated): TOPMed 0.00002; ExAC 0.00004.
gnomAD v4.1: 21 of 1,519,838 alleles (0.0014%); highest among the groups gnomAD compares: Middle Eastern, 0.018%; no homozygotes.

Submissions (2):

Labcorp Genetics (formerly Invitae), Labcorp
Classification: Likely benign. Last evaluated: 2025-06-14. Review status: criteria provided, single submitter. Criteria: Invitae Variant Classification Sherloc (09022015). Collection method: clinical testing. Allele origin: germline.

Women's Health and Genetics/Laboratory Corporation of America, LabCorp
Classification: Uncertain significance. Last evaluated: 2024-10-07. Review status: criteria provided, single submitter. Criteria: LabCorp Variant Classification Summary - May 2015. Collection method: clinical testing. Allele origin: germline.
Comment: Variant summary: FAM175A c.234C>T alters a conserved nucleotide resulting in a synonymous change. Several computational tools predict a significant impact on normal splicing: Four predict the variant creates a 5 donor site. However, these predictions have yet to be confirmed by functional studies. The variant allele was found at a frequency of 1.3e-05 in 150636 control chromosomes. The available data on variant occurrences in the general population are insufficient to allow any conclusion about variant significance. To our knowledge, no occurrence of c.234C>T in individuals affected with Hereditary Breast And Ovarian Cancer Syndrome and no experimental evidence demonstrating its impact on protein function have been reported. ClinVar contains an entry for this variant (Variation ID: 632797). Based on the evidence outlined above, the variant was classified as uncertain significance.

Literature cited by the submitters: PubMed 28794409 (cited by Women's Health and Genetics/Laboratory Corporation of America, LabCorp).

NM_139076.3(ABRAXAS1):c.234C>T (p.Gly78=)

Gene: ABRAXAS1 (abraxas 1, BRCA1 A complex subunit; minus strand). Cytogenetic location: 4q21.23.
Variant type: single nucleotide variant.
Coding change: c.234C>T on transcript NM_139076.3 (MANE Select); coding-DNA position 234, C replaced by T.
Protein change: p.Gly78=; no amino-acid change (glycine 78 retained).
Molecular consequence: synonymous variant. On other transcripts: intron variant (1).
Genome position (GRCh38, 1-based): chr4:83,472,270, G>A on the plus strand (C>T on the coding strand, the complement: ABRAXAS1 is on the minus strand). VCF-style: chr4-83472270-G-A. GRCh37 (hg19) VCF-style: chr4-84393423-G-A.
Other names: c.-45-1874C>T (NM_001345962.2).
Identifiers: ClinVar variation 632797 (VCV000632797.13), dbSNP rs765721350, ClinGen allele CA2990595.